The following is an entry in ClinVar:

ClinVar aggregate classification (germline): Uncertain significance (1 of 4 stars; one submission).

Conditions:
Early-infantile DEE. Also called: Early infantile epileptic encephalopathy; Ohtahara syndrome; Early infantile epileptic encephalopathy with suppression bursts. Identifiers: Orphanet 1934, MedGen C0393706, MONDO:0800491.

Allele frequency attached by ClinVar (database versions not stated): gnomAD exomes below 0.00001; TOPMed below 0.00001.
gnomAD v4.1: 1 of 1,614,190 alleles (0.000062%); highest among the groups gnomAD compares: South Asian, 0.0011%; no homozygotes.

Submission:

Labcorp Genetics (formerly Invitae), Labcorp
Classification: Uncertain significance for Early-infantile DEE. Last evaluated: 2024-02-23. Review status: criteria provided, single submitter. Criteria: Invitae Variant Classification Sherloc (09022015). Collection method: clinical testing. Allele origin: germline.
Comment: This sequence change replaces arginine, which is basic and polar, with lysine, which is basic and polar, at codon 19 of the SCN1A protein (p.Arg19Lys). This variant is present in population databases (no rsID available, gnomAD 0.003%). This variant has not been reported in the literature in individuals affected with SCN1A-related conditions. ClinVar contains an entry for this variant (Variation ID: 461283). Advanced modeling of protein sequence and biophysical properties (such as structural, functional, and spatial information, amino acid conservation, physicochemical variation, residue mobility, and thermodynamic stability) performed at Invitae indicates that this missense variant is not expected to disrupt SCN1A protein function with a negative predictive value of 95%. In summary, the available evidence is currently insufficient to determine the role of this variant in disease. Therefore, it has been classified as a Variant of Uncertain Significance.

NM_001165963.4(SCN1A):c.56G>A (p.Arg19Lys)

Gene: SCN1A (sodium voltage-gated channel alpha subunit 1; minus strand). Cytogenetic location: 2q24.3.
Variant type: single nucleotide variant.
Coding change: c.56G>A on transcript NM_001165963.4 (MANE Select); coding-DNA position 56, G replaced by A.
Protein change: p.Arg19Lys; replaces arginine 19 with lysine.
Molecular consequence: missense variant. On other transcripts: 5 prime UTR variant (1), non-coding transcript variant (1).
Genome position (GRCh38, 1-based): chr2:166,073,566, C>T on the plus strand (G>A on the coding strand, the complement: SCN1A is on the minus strand). VCF-style: chr2-166073566-C-T. GRCh37 (hg19) VCF-style: chr2-166930076-C-T.
Other names: c.56G>A, p.Arg19Lys (NM_001165964.3, NM_001202435.3, NM_001353948.2 and 10 more transcripts); c.-2370G>A (NM_001353961.2); short protein forms R19K.
Identifiers: ClinVar variation 461283 (VCV000461283.9), dbSNP rs1479913332, ClinGen allele CA349243399.